The following is an entry in ClinVar:

ClinVar aggregate classification (germline): Uncertain significance. Review status: criteria provided, multiple submitters, no conflicts (2 of 4 stars). 2 submissions from 2 submitters: Uncertain significance (2). Last evaluated 2024-07-27.

Conditions:
Inborn genetic diseases. Identifiers: MedGen C0950123, MeSH D030342.
H syndrome. Also called: HISTIOCYTOSIS AND LYMPHADENOPATHY WITH OR WITHOUT CUTANEOUS, CARDIAC, AND/OR ENDOCRINE FEATURES, JOINT CONTRACTURES, AND/OR DEAFNESS; HYPERPIGMENTATION, CUTANEOUS, WITH HYPERTRICHOSIS, HEPATOSPLENOMEGALY, HEART ANOMALIES, AND HYPOGONADISM WITH OR WITHOUT HEARING LOSS; PIGMENTED HYPERTRICHOSIS WITH INSULIN-DEPENDENT DIABETES MELLITUS; ROSAI-DORFMAN DISEASE, FAMILIAL; SINUS HISTIOCYTOSIS AND MASSIVE LYMPHADENOPATHY; Hyperpigmentation, Cutaneous, with Hypertrichosis, Hepatosplenomegaly, Heart Anomalies, Hearing Loss, and Hypogonadism. Identifiers: Orphanet 168569, MedGen C1864445, MONDO:0011273, OMIM 602782.

Allele frequency attached by ClinVar (database versions not stated): gnomAD exomes below 0.00001; ExAC 0.00001.
gnomAD v4.1: 1 of 1,614,228 alleles (0.000062%); highest among the groups gnomAD compares: Non-Finnish European, 0.000085%; no homozygotes.

Submissions (2):

Ambry Genetics
Classification: Uncertain significance for Inborn genetic diseases. Last evaluated: 2024-07-27. Review status: criteria provided, single submitter. Criteria: Ambry Variant Classification Scheme 2023. Collection method: clinical testing. Allele origin: germline.

Labcorp Genetics (formerly Invitae), Labcorp
Classification: Uncertain significance for H syndrome. Last evaluated: 2023-12-11. Review status: criteria provided, single submitter. Criteria: Invitae Variant Classification Sherloc (09022015). Collection method: clinical testing. Allele origin: germline.
Comment: This sequence change replaces isoleucine, which is neutral and non-polar, with threonine, which is neutral and polar, at codon 62 of the SLC29A3 protein (p.Ile62Thr). This variant is present in population databases (rs761998545, gnomAD 0.0009%). This variant has not been reported in the literature in individuals affected with SLC29A3-related conditions. Advanced modeling of protein sequence and biophysical properties (such as structural, functional, and spatial information, amino acid conservation, physicochemical variation, residue mobility, and thermodynamic stability) has been performed at Invitae for this missense variant, however the output from this modeling did not meet the statistical confidence thresholds required to predict the impact of this variant on SLC29A3 protein function. In summary, the available evidence is currently insufficient to determine the role of this variant in disease. Therefore, it has been classified as a Variant of Uncertain Significance.

NM_018344.6(SLC29A3):c.185T>C (p.Ile62Thr)

Gene: SLC29A3 (solute carrier family 29 member 3; plus strand). Cytogenetic location: 10q22.1.
Variant type: single nucleotide variant.
Coding change: c.185T>C on transcript NM_018344.6 (MANE Select); coding-DNA position 185, T replaced by C.
Protein change: p.Ile62Thr; replaces isoleucine 62 with threonine.
Molecular consequence: missense variant. On other transcripts: 5 prime UTR variant (1), non-coding transcript variant (2).
Genome position (GRCh38, 1-based): chr10:71,322,939, T>C. VCF-style: chr10-71322939-T-C. GRCh37 (hg19) VCF-style: chr10-73082696-T-C.
Other names: c.185T>C (NM_018344.5); c.185T>C, p.Ile62Thr (NM_001174098.2); c.-50T>C (NM_001363518.2); short protein forms I62T.
Identifiers: ClinVar variation 2877067 (VCV002877067.4), dbSNP rs761998545, ClinGen allele CA5542844.